The following is an entry in ClinVar:

ClinVar aggregate classification (germline): Uncertain significance (1 of 4 stars; one submission).

Allele frequency attached by ClinVar (database versions not stated): gnomAD exomes below 0.00001.
gnomAD v4.1: 3 of 1,614,158 alleles (0.00019%); highest among the groups gnomAD compares: African/African-American, 0.0027%; no homozygotes.

Submission:

Labcorp Genetics (formerly Invitae), Labcorp
Classification: Uncertain significance. Last evaluated: 2022-07-19. Review status: criteria provided, single submitter. Criteria: Invitae Variant Classification Sherloc (09022015). Collection method: clinical testing. Allele origin: germline.
Comment: ClinVar contains an entry for this variant (Variation ID: 852448). In summary, the available evidence is currently insufficient to determine the role of this variant in disease. Therefore, it has been classified as a Variant of Uncertain Significance. Algorithms developed to predict the effect of missense changes on protein structure and function (SIFT, PolyPhen-2, Align-GVGD) all suggest that this variant is likely to be disruptive. This variant has not been reported in the literature in individuals affected with USH2A-related conditions. This variant is present in population databases (no rsID available, gnomAD 0.007%). This sequence change replaces tryptophan, which is neutral and slightly polar, with arginine, which is basic and polar, at codon 2693 of the USH2A protein (p.Trp2693Arg).

NM_206933.4(USH2A):c.8077T>C (p.Trp2693Arg)

Gene: USH2A (usherin; minus strand). Cytogenetic location: 1q41.
Variant type: single nucleotide variant.
Coding change: c.8077T>C on transcript NM_206933.4 (MANE Select); coding-DNA position 8077, T replaced by C.
Protein change: p.Trp2693Arg; replaces tryptophan 2693 with arginine.
Molecular consequence: missense variant.
Genome position (GRCh38, 1-based): chr1:215,888,572, A>G on the plus strand (T>C on the coding strand, the complement: USH2A is on the minus strand). VCF-style: chr1-215888572-A-G. GRCh37 (hg19) VCF-style: chr1-216061914-A-G.
Other names: short protein forms W2693R.
Identifiers: ClinVar variation 852448 (VCV000852448.9), dbSNP rs1310882905, ClinGen allele CA344838972.
Genomic context (GRCh38, chr1:215,888,572, plus strand): 5'-CACTGCTGTTTGTGCCTCCATGAAGAGTGCTCATCAGTACCCGATATTCATATTTTGTCC[A>G]TGGGCTAAGAGCAGAAGTCTTGTCAATAAACCTCATGGAATGACTCCTCGGGAGAGTCAC-3'
Protein context (NP_996816.3, residues 2683-2703): FIDKTSALSP[Trp2693Arg]TKYEYRVLMS